The following is an entry in ClinVar:

NM_007294.4(BRCA1):c.5266C>T (p.Gln1756Ter)

Gene: BRCA1 (BRCA1 DNA repair associated; minus strand). Cytogenetic location: 17q21.31.
Variant type: single nucleotide variant.
Coding change: c.5266C>T on transcript NM_007294.4 (MANE Select); coding-DNA position 5266, C replaced by T.
Protein change: p.Gln1756Ter; replaces glutamine 1756 with a stop codon.
Molecular consequence: nonsense. On other transcripts: non-coding transcript variant (1).
Genome position (GRCh38, 1-based): chr17:43,057,063, G>A on the plus strand (C>T on the coding strand, the complement: BRCA1 is on the minus strand). VCF-style: chr17-43057063-G-A. GRCh37 (hg19) VCF-style: chr17-41209080-G-A.
Other names: 5385C>T; c.5053C>T, p.Gln1685Ter (NM_001407571.1, NM_001407894.1, NM_001407895.1 and 12 more transcripts); c.5332C>T, p.Gln1778Ter (NM_001407581.1, NM_001407582.1); c.5329C>T, p.Gln1777Ter (NM_001407583.1, NM_001407585.1, NM_001407587.1 and 1 more transcripts); c.5326C>T, p.Gln1776Ter (NM_001407590.1, NM_001407591.1); c.5266C>T, p.Gln1756Ter (NM_001407593.1, NM_001407594.1, NM_001407596.1 and 7 more transcripts); c.5263C>T, p.Gln1755Ter (NM_001407620.1, NM_001407621.1, NM_001407622.1 and 17 more transcripts); c.5260C>T, p.Gln1754Ter (NM_001407627.1, NM_001407628.1, NM_001407639.1 and 14 more transcripts); and 73 more; short protein forms Q1756*, Q1709*, Q1777*, Q652*, Q1460*, Q1587*, Q1627*, Q1644*.
Identifiers: ClinVar variation 55490 (VCV000055490.28), dbSNP rs397509247, ClinGen allele CA003410.

ClinVar aggregate classification (germline): Pathogenic. Review status: reviewed by expert panel (3 of 4 stars). 9 submissions from 9 submitters: Pathogenic (1). 8 of the submissions do not count toward it. Last evaluated 2016-10-18.

Conditions:
Fanconi anemia, complementation group S (FANCS). Identifiers: MedGen C4554406, MONDO:0054748, OMIM 617883.
Breast-ovarian cancer, familial, susceptibility to, 1 (BROVCA1). Also called: OVARIAN CANCER, SUSCEPTIBILITY TO; BRCA1 Hereditary Breast and Ovarian Cancer. Identifiers: Orphanet 145, MedGen C2676676, MONDO:0011450, OMIM 604370. Disease mechanism: loss of function.
Pancreatic cancer, susceptibility to, 4. Identifiers: Orphanet 1333, MedGen C3280442, MONDO:0013685, OMIM 614320.
Hereditary cancer-predisposing syndrome. Also called: Neoplastic Syndromes, Hereditary; Tumor predisposition; Hereditary Cancer Syndrome; Hereditary neoplastic syndrome. Identifiers: Orphanet 140162, MedGen C0027672, MeSH D009386, MONDO:0015356.
Hereditary breast ovarian cancer syndrome. Also called: Hereditary breast and/or ovarian cancer syndrome; Hereditary breast and ovarian cancer syndrome; Hereditary breast and ovarian cancer; Hereditary breast and ovarian cancer syndrome (HBOC); Breast and ovarian cancer; BRCA1- and BRCA2-Associated Hereditary Breast and Ovarian Cancer. Identifiers: Orphanet 145, MedGen C0677776, MeSH D061325, MONDO:0003582. Disease mechanism: loss of function.

Submissions (10):

Evidence-based Network for the Interpretation of Germline Mutant Alleles (ENIGMA)
Classification: Pathogenic for Breast-ovarian cancer, familial, susceptibility to, 1. Last evaluated: 2016-10-18. Review status: reviewed by expert panel. Criteria: ENIGMA BRCA1/2 Classification Criteria (2015). Collection method: curation. Allele origin: germline.
Comment: Variant allele predicted to encode a truncated non-functional protein.

Ambry Genetics
Classification: Pathogenic for Hereditary cancer-predisposing syndrome. Last evaluated: 2023-08-29. Review status: criteria provided, single submitter. Criteria: Ambry Variant Classification Scheme 2023. Collection method: clinical testing. Allele origin: germline. Not counted in ClinVar's aggregate classification.
Comment: The p.Q1756* pathogenic mutation (also known as c.5266C>T), located in coding exon 18 of the BRCA1 gene, results from a C to T substitution at nucleotide position 5266. This changes the amino acid from a glutamine to a stop codon within coding exon 18. This alteration has been seen in multiple individuals referred for BRCA1/2 genetic testing (Stoppa-Lyonnet D et al. Am. J. Hum. Genet. 1997 May;60:1021-30; Kang E et al. Breast Cancer Res. Treat. 2015 May;151:157-68; Kwong A et al. J. Med. Genet. 2016 Jan;53:15-23; Rebbeck TR et al. Hum. Mutat. 2018 05;39:593-620). One functional study found that this nucleotide substitution is deleterious in a high throughput genome editing haploid cell survival assay (Findlay GM et al. Nature. 2018 10;562:217-222). This variant is considered to be rare based on population cohorts in the Genome Aggregation Database (gnomAD). Of note, this alteration is also designated as 5385C>T in published literature. In addition to the clinical data presented in the literature, this alteration is expected to result in loss of function by premature protein truncation or nonsense-mediated mRNA decay. As such, this alteration is interpreted as a disease-causing mutation.

Labcorp Genetics (formerly Invitae), Labcorp
Classification: Pathogenic for Hereditary breast ovarian cancer syndrome. Last evaluated: 2023-07-16. Review status: criteria provided, single submitter. Criteria: Invitae Variant Classification Sherloc (09022015). Collection method: clinical testing. Allele origin: germline. Not counted in ClinVar's aggregate classification.
Comment: This sequence change creates a premature translational stop signal (p.Gln1756*) in the BRCA1 gene. It is expected to result in an absent or disrupted protein product. Loss-of-function variants in BRCA1 are known to be pathogenic (PMID: 20104584). This variant is not present in population databases (gnomAD no frequency). This premature translational stop signal has been observed in individual(s) with increased risk of breast and ovarian cancers (PMID: 29446198). ClinVar contains an entry for this variant (Variation ID: 55490). For these reasons, this variant has been classified as Pathogenic.

Women's Health and Genetics/Laboratory Corporation of America, LabCorp
Classification: Pathogenic for Hereditary breast ovarian cancer syndrome. Last evaluated: 2021-11-26. Review status: criteria provided, single submitter. Criteria: LabCorp Variant Classification Summary - May 2015. Collection method: clinical testing. Allele origin: germline. Not counted in ClinVar's aggregate classification.
Comment: Variant summary: BRCA1 c.5266C>T (p.Gln1756X) results in a premature termination codon, predicted to cause a truncation of the encoded protein or absence of the protein due to nonsense mediated decay, which are commonly known mechanisms for disease. Truncations downstream of this position have been classified as pathogenic by our laboratory. The variant was absent in 251494 control chromosomes (gnomAD). c.5266C>T has been reported in the literature in individuals affected with Hereditary Breast and Ovarian Cancer Syndrome (e.g. Rebbeck_2018). These data indicate that the variant is likely to be associated with disease. To our knowledge, no experimental evidence demonstrating an impact on protein function has been reported. Six submitters, including an expert panel (ENIGMA), have provided clinical-significance assessments for this variant in ClinVar after 2014, and all classified the variant as pathogenic. Based on the evidence outlined above, the variant was classified as pathogenic.

Color Diagnostics, LLC DBA Color Health
Classification: Pathogenic for Hereditary cancer-predisposing syndrome. Last evaluated: 2021-04-12. Review status: criteria provided, single submitter. Criteria: ACMG Guidelines, 2015. Collection method: clinical testing. Allele origin: germline. Not counted in ClinVar's aggregate classification.
Comment: This variant changes 1 nucleotide in exon 19 of the BRCA1 gene, creating a premature translation stop signal. This variant is expected to result in an absent or non-functional protein product. This variant has been reported in individuals affected with hereditary breast and/or ovarian cancer (PMID: 9150149, 25863477; Color internal data). This variant has not been identified in the general population by the Genome Aggregation Database (gnomAD). Loss of BRCA1 function is a known mechanism of disease. Based on the available evidence, this variant is classified as Pathogenic.

GeneDx
Classification: Pathogenic. Last evaluated: 2017-11-22. Review status: criteria provided, single submitter. Criteria: GeneDx Variant Classification (06012015). Collection method: clinical testing. Allele origin: germline. Affected: yes. Not counted in ClinVar's aggregate classification.
Comment: This variant is denoted BRCA1 c.5266C>T at the cDNA level and p.Gln1756Ter (Q1756X) at the protein level. Using alternate nomenclature, this variant would be described as BRCA1 5385C>T. The substitution creates a nonsense variant, which changes a Glutamine to a premature stop codon (CAG>TAG), and is predicted to cause loss of normal protein function through either protein truncation or nonsense-mediated mRNA decay. This variant has been reported in at least two individuals with a personal history of breast cancer (Stoppa-Lyonnet 1997, Kang 2015) and is considered pathogenic.

Consortium of Investigators of Modifiers of BRCA1/2 (CIMBA), c/o University of Cambridge
Classification: Pathogenic for Breast-ovarian cancer, familial, susceptibility to, 1. Last evaluated: 2015-10-02. Review status: criteria provided, single submitter. Criteria: CIMBA Mutation Classification guidelines May 2016. Collection method: clinical testing. Allele origin: germline. Not counted in ClinVar's aggregate classification.

Juno Genomics, Hangzhou Juno Genomics, Inc
Classification: Pathogenic for Breast-ovarian cancer, familial, susceptibility to, 1; Pancreatic cancer, susceptibility to, 4; Fanconi anemia, complementation group S. Review status: criteria provided, single submitter. Criteria: ACMG Guidelines, 2015. Collection method: clinical testing. Allele origin: germline. Not counted in ClinVar's aggregate classification.
Comment: Absent from controls (or at extremely low frequency if recessive) in Genome Aggregation Database.;Null variant in a gene where loss of function (LOF) is a known mechanism of disease.;Novel missense change at an amino acid residue where a different missense change determined to be pathogenic has been seen before.

Brotman Baty Institute, University of Washington
No classification provided (evidence only). Condition: Breast-ovarian cancer, familial 1. Review status: no classification provided. Collection method: in vitro. Allele origin: not applicable. Functional consequence: functionally_abnormal. Not counted in ClinVar's aggregate classification.
ClinVar note: "not provided" was previously submitted as the classification for the variant. However, the classification appeared to be based only on an observation of functional data so it was converted to no classification on 2025-07-30.

Department of Pathology and Laboratory Medicine, Sinai Health System
Classification: Uncertain significance. Review status: no assertion criteria provided. Collection method: clinical testing. Allele origin: unknown. Affected: yes. Observed: 1 variant allele. Study: The Canadian Open Genetics Repository (COGR). Not counted in ClinVar's aggregate classification.

Literature cited by the submitters: PubMed 14569140 (cited by Ambry Genetics); PubMed 25863477 (cited by Ambry Genetics); PubMed 26187060 (cited by Ambry Genetics); PubMed 29446198 (cited by 3 submitters); PubMed 30209399 (cited by Ambry Genetics); PubMed 9150149 (cited by Ambry Genetics); PubMed 20104584 (cited by Labcorp Genetics (formerly Invitae), Labcorp).